The following is an entry in ClinVar:

ClinVar aggregate classification (germline): Uncertain significance. Review status: criteria provided, multiple submitters, no conflicts (2 of 4 stars). 10 submissions from 10 submitters: Uncertain significance (9). 1 of the submissions does not count toward it. Last evaluated 2026-08-10.

Conditions:
Glycogen storage disease, type II (IOPD). Also called: CARDIOMEGALIA GLYCOGENICA DIFFUSA; GLYCOGENOSIS, GENERALIZED, CARDIAC FORM; GSD II; Glucosidase acid-1,4-alpha deficiency; POMPE DISEASE, INFANTILE-ONSET; GLYCOGEN STORAGE DISEASE II, INFANTILE-ONSET. Identifiers: Orphanet 365, MedGen C0017921, MONDO:0009290, OMIM 232300.

Allele frequency attached by ClinVar (database versions not stated): gnomAD exomes 0.00001 and 0.00002; TOPMed 0.00001; ExAC 0.00003.

Submissions (10):

Myriad Genetics, Inc.
Classification: Uncertain significance for Glycogen storage disease, type II. Last evaluated: 2026-08-10. Review status: criteria provided, single submitter. Criteria: Myriad Autosomal Dominant, Autosomal Recessive and X-Linked Classification Criteria (2023). Collection method: clinical testing. Allele origin: unknown.
Comment: NM_000152.3(GAA):c.1378G>A(E460K) is a missense variant classified as a variant of uncertain significance in the context of Pompe disease. E460K has been observed in cases with relevant disease (PMID: 33202836, 36246652, 37087815). Relevant functional assessments of this variant are available in the literature (PMID: 36246652). E460K has been observed in referenced population frequency databases. In summary, there is insufficient evidence to classify NM_000152.3(GAA):c.1378G>A(E460K) as pathogenic or benign. Please note: this variant was assessed in the context of healthy population screening.

Genomenon, Inc
Classification: Uncertain significance for Glycogen storage disease, type II. Last evaluated: 2026-07-01. Review status: criteria provided, single submitter. Criteria: Genomenon Sequence Variant Interpretation Standards - Updated. Collection method: curation. Allele origin: germline.
Comment: GAA p.Glu460Lys (c.1378G>A) is a missense variant that changes the amino acid at codon 460 from Glutamic acid to Lysine. This variant has been reported in the compound heterozygous and/or homozygous state in at least one individual without a confirmed diagnosis of Pompe disease (PMID:36246652;37087815;33202836;40136631). At least one functional study has demonstrated a substantial alteration in protein function relative to the wild-type (PMID:36246652). It is absent or not present at a significant frequency in gnomAD. In conclusion, we classify GAA p.Glu460Lys (c.1378G>A) as a variant of uncertain significance.

Labcorp Genetics (formerly Invitae), Labcorp
Classification: Uncertain significance for Glycogen storage disease, type II. Last evaluated: 2025-10-19. Review status: criteria provided, single submitter. Criteria: Invitae Variant Classification Sherloc (09022015). Collection method: clinical testing. Allele origin: germline.
Comment: This sequence change replaces glutamic acid, which is acidic and polar, with lysine, which is basic and polar, at codon 460 of the GAA protein (p.Glu460Lys). This variant is present in population databases (rs771213237, gnomAD 0.003%). This missense change has been observed in individual(s) with biochemical features of Pompe disease (PMID: 33202836, 36246652, 37937776). ClinVar contains an entry for this variant (Variation ID: 430460). Invitae Evidence Modeling of protein sequence and biophysical properties (such as structural, functional, and spatial information, amino acid conservation, physicochemical variation, residue mobility, and thermodynamic stability) indicates that this missense variant is expected to disrupt GAA protein function with a positive predictive value of 95%. Experimental studies are conflicting or provide insufficient evidence to determine the effect of this variant on GAA function (PMID: 36246652). In summary, the available evidence is currently insufficient to determine the role of this variant in disease. Therefore, it has been classified as a Variant of Uncertain Significance.

GeneDx
Classification: Uncertain significance. Last evaluated: 2024-11-13. Review status: criteria provided, single submitter. Criteria: GeneDx Variant Classification Process June 2021. Collection method: clinical testing. Allele origin: germline. Affected: yes.
Comment: Described as a variant of uncertain significance and identified in a patient with a positive newborn screen and decreased GAA activity who also harbored a pathogenic variant, however it is not known whether the variants occurred on the same (in cis) or opposite (in trans) chromosomes (PMID: 36246652); Identified in a patient with a positive newborn screen and decreased GAA activity who also harbored a likely pathogenic variant, however it is not known whether the variants occurred on the same (in cis) or opposite (in trans) chromosomes (PMID: 33202836); In silico analysis supports that this missense variant has a deleterious effect on protein structure/function; Not observed at significant frequency in large population cohorts (gnomAD); This variant is associated with the following publications: (PMID: 37937776, 19343043, 22253258, 37087815, 36246652, 33202836)

Revvity Omics, Revvity
Classification: Uncertain significance. Last evaluated: 2024-05-29. Review status: criteria provided, single submitter. Criteria: ACMG Guidelines, 2015. Collection method: clinical testing. Allele origin: germline.

Blueprint Genetics
Classification: Uncertain significance. Last evaluated: 2022-06-28. Review status: criteria provided, single submitter. Criteria: ACMG Guidelines, 2015. Collection method: clinical testing. Allele origin: germline.

Genome-Nilou Lab
Classification: Uncertain significance for Glycogen storage disease, type II. Last evaluated: 2021-07-22. Review status: criteria provided, single submitter. Criteria: ACMG Guidelines, 2015. Collection method: clinical testing. Allele origin: germline. Affected: no.

Broad Center for Mendelian Genomics, Broad Institute of MIT and Harvard
Classification: Uncertain significance for Glycogen storage disease, type II. Last evaluated: 2020-01-22. Review status: criteria provided, single submitter. Criteria: ACMG Guidelines, 2015. Collection method: curation. Allele origin: germline. Inheritance: Autosomal recessive inheritance.
Comment: The p.Glu460Lys variant in GAA has not been previously reported in individuals with Glycogen Storage Disease II but has been reported as a VUS by EGL Genetic Diagnostics and Counsyl and a likely pathogenic variant by GeneDx in ClinVar (Variation ID: 430460). This variant has been identified in 0.003% (1/30602) of South Asian chromosomes and 0.003% (3/112884) of European (non-Finnish) chromosomes by the Genome Aggregation Database (gnomAD; dbSNP rs771213237). Although this variant has been seen in the general population, its frequency is low enough to be consistent with a recessive carrier frequency. Computational prediction tools and conservation analyses do not provide strong support for or against an impact to the protein. However, the Glutamate (Glu) at position 460 is highly conserved in mammals and evolutionary distant species, raising the possibility that a change at this position may not be tolerated. In summary, the clinical significance of the p.Glu460Lys variant is uncertain. ACMG/AMP Criteria applied: PM2 (Richards 2015).

Eurofins Ntd Llc (ga)
Classification: Uncertain significance. Last evaluated: 2017-05-04. Review status: criteria provided, single submitter. Criteria: EGL Classification Definitions 2015. Collection method: clinical testing. Allele origin: germline. Observed: 1 variant allele, 1 heterozygote.

Counsyl
Classification: Uncertain significance for Glycogen storage disease, type II. Last evaluated: 2017-11-08. Review status: no assertion criteria provided. Collection method: clinical testing. Allele origin: unknown. Not counted in ClinVar's aggregate classification.

Literature cited by the submitters: PubMed 33202836 (cited by 3 submitters); PubMed 36246652 (cited by 3 submitters); PubMed 37087815 (cited by Myriad Genetics, Inc. and Genomenon, Inc); PubMed 40136631 (cited by Genomenon, Inc); PubMed 37937776 (cited by Labcorp Genetics (formerly Invitae), Labcorp).

NM_000152.5(GAA):c.1378G>A (p.Glu460Lys)

Gene: GAA (alpha glucosidase; plus strand). Cytogenetic location: 17q25.3.
Variant type: single nucleotide variant.
Coding change: c.1378G>A on transcript NM_000152.5 (MANE Select); coding-DNA position 1378, G replaced by A.
Protein change: p.Glu460Lys; replaces glutamic acid 460 with lysine.
Molecular consequence: missense variant.
Genome position (GRCh38, 1-based): chr17:80,109,996, G>A. VCF-style: chr17-80109996-G-A. GRCh37 (hg19) VCF-style: chr17-78083795-G-A.
Other names: c.1378G>A (LRG_673t1); c.1378G>A, p.Glu460Lys (NM_001079803.3, NM_001079804.3); short protein forms E460K.
Identifiers: ClinVar variation 430460 (VCV000430460.27), dbSNP rs771213237, ClinGen allele CA8815300.
Genomic context (GRCh38, chr17:80,109,996, plus strand): 5'-TCTTCCCAGGATCCTGCCATCAGCAGCTCGGGCCCTGCCGGGAGCTACAGGCCCTACGAC[G>A]AGGGTCTGCGGAGGGGGGTTTTCATCACCAACGAGACCGGCCAGCCGCTGATTGGGAAGG-3'
Protein context (NP_000143.2, residues 450-470): GPAGSYRPYD[Glu460Lys]GLRRGVFITN